The following is an entry in ClinVar:

NM_198428.3(BBS9):c.2045C>T (p.Ala682Val)

Gene: BBS9 (Bardet-Biedl syndrome 9; plus strand). Cytogenetic location: 7p14.3.
Variant type: single nucleotide variant.
Coding change: c.2045C>T on transcript NM_198428.3 (MANE Select); coding-DNA position 2045, C replaced by T.
Protein change: p.Ala682Val; replaces alanine 682 with valine.
Molecular consequence: missense variant. On other transcripts: non-coding transcript variant (3).
Genome position (GRCh38, 1-based): chr7:33,388,074, C>T. VCF-style: chr7-33388074-C-T. GRCh37 (hg19) VCF-style: chr7-33427686-C-T.
Other names: c.1940C>T, p.Ala647Val (NM_001033604.2); c.2030C>T, p.Ala677Val (NM_001033605.2); c.2045C>T, p.Ala682Val (NM_001348036.1, NM_001348041.4, NM_001348043.3 and 1 more transcripts); c.1679C>T, p.Ala560Val (NM_001348037.3, NM_001348045.3, NM_001348046.3); c.1772C>T, p.Ala591Val (NM_001348038.3); c.1667C>T, p.Ala556Val (NM_001348039.3); c.1925C>T, p.Ala642Val (NM_001348040.3, NM_014451.4); c.1910C>T, p.Ala637Val (NM_001348042.3); and 1 more; short protein forms A525V, A556V, A677V, A560V, A591V, A647V, A637V, A682V.
Identifiers: ClinVar variation 5002201 (VCV005002201.1).

ClinVar aggregate classification (germline): Uncertain significance (1 of 4 stars; one submission).

Conditions:
BBS9-related disorder. Also called: BBS9-related condition.

Submission:

PreventionGenetics, part of Exact Sciences
Classification: Uncertain significance for BBS9-related condition. Last evaluated: 2024-10-17. Review status: criteria provided, single submitter. Criteria: ACMG Guidelines, 2015. Collection method: clinical testing. Allele origin: germline.
Comment: The BBS9 c.2045C>T variant is predicted to result in the amino acid substitution p.Ala682Val. To our knowledge, this variant has not been reported in the literature. This variant is reported in 0.0% of alleles in individuals of African descent in gnomAD. At this time, the clinical significance of this variant is uncertain due to the absence of conclusive functional and genetic evidence.